The following is an entry in ClinVar:

NM_005141.5(FGB):c.*619T>C

Gene: FGB (fibrinogen beta chain; plus strand). Cytogenetic location: 4q31.3.
Variant type: single nucleotide variant.
Coding change: c.*619T>C on transcript NM_005141.5 (MANE Select); 619 bases downstream of the stop codon, T replaced by C.
Molecular consequence: 3 prime UTR variant.
Genome position (GRCh38, 1-based): chr4:154,571,269, T>C. VCF-style: chr4-154571269-T-C. GRCh37 (hg19) VCF-style: chr4-155492421-T-C.
Other names: c.*619T>C (NM_001184741.1, NM_001382759.1, NM_001382760.1 and 3 more transcripts); c.*760T>C (NM_001382761.1); c.*869T>C (NM_001382764.1).
Identifiers: ClinVar variation 347787 (VCV000347787.5), dbSNP rs2227439, ClinGen allele CA10617213.

ClinVar aggregate classification (germline): Benign (1 of 4 stars; one submission).

Conditions:
Congenital afibrinogenemia. Identifiers: Orphanet 335, Orphanet 98880, MedGen C2584774, MONDO:0008737, OMIM 202400.

Allele frequency attached by ClinVar (database versions not stated): gnomAD 0.90974 and 0.91129; TOPMed 0.91727; 1000 Genomes Project 0.92352; 1000 Genomes Project 30x 0.92395.
gnomAD v4.1: 138,249 of 151,990 alleles (91%); highest among the groups gnomAD compares: African/African-American, 98%; 63,088 homozygotes.

Submission:

Illumina Laboratory Services, Illumina
Classification: Benign for Congenital afibrinogenemia. Last evaluated: 2018-01-13. Review status: criteria provided, single submitter. Criteria: ICSL Variant Classification Criteria 13 December 2019. Collection method: clinical testing. Allele origin: germline.
Comment: This variant was observed in the ICSL laboratory as part of a predisposition screen in an ostensibly healthy population. It had not been previously curated by ICSL or reported in the Human Gene Mutation Database (HGMD: prior to June 1st, 2018), and was therefore a candidate for classification through an automated scoring system. Utilizing variant allele frequency, disease prevalence and penetrance estimates, and inheritance mode, an automated score was calculated to assess if this variant is too frequent to cause the disease. Based on the score and internal cut-off values, a variant classified as benign is not then subjected to further curation. The score for this variant resulted in a classification of benign for this disease.